The following is an entry in ClinVar:

NM_004174.4(SLC9A3):c.2032G>A (p.Ala678Thr)

Genes: SLC9A3 (solute carrier family 9 member A3), SLC9A3-AS1 (SLC9A3 antisense RNA 1; plus strand). Cytogenetic location: 5p15.33.
Variant type: single nucleotide variant.
Coding change: c.2032G>A on transcript NM_004174.4 (MANE Select); coding-DNA position 2032, G replaced by A.
Protein change: p.Ala678Thr; replaces alanine 678 with threonine.
Molecular consequence: missense variant. On other transcripts: non-coding transcript variant (1).
Genome position (GRCh38, 1-based): chr5:476,237, C>T on the plus strand (G>A on the coding strand, the complement: SLC9A3 is on the minus strand). VCF-style: chr5-476237-C-T. GRCh37 (hg19) VCF-style: chr5-476352-C-T.
Other names: c.2005G>A, p.Ala669Thr (NM_001284351.3); short protein forms A669T, A678T.
Identifiers: ClinVar variation 2176969 (VCV002176969.4), dbSNP rs532462442, ClinGen allele CA3175607.

ClinVar aggregate classification (germline): Uncertain significance (1 of 4 stars; one submission).

Allele frequency attached by ClinVar (database versions not stated): gnomAD 0.00001; TOPMed 0.00002; gnomAD exomes 0.00003; ExAC 0.00007; 1000 Genomes Project 0.00020; 1000 Genomes Project 30x 0.00031.
gnomAD v4.1: 55 of 1,613,956 alleles (0.0034%); highest among the groups gnomAD compares: South Asian, 0.048%; no homozygotes.

Submission:

Labcorp Genetics (formerly Invitae), Labcorp
Classification: Uncertain significance. Last evaluated: 2022-10-24. Review status: criteria provided, single submitter. Criteria: Invitae Variant Classification Sherloc (09022015). Collection method: clinical testing. Allele origin: germline.
Comment: This sequence change replaces alanine, which is neutral and non-polar, with threonine, which is neutral and polar, at codon 678 of the SLC9A3 protein (p.Ala678Thr). This variant is present in population databases (rs532462442, gnomAD 0.05%). This variant has not been reported in the literature in individuals affected with SLC9A3-related conditions. Advanced modeling of protein sequence and biophysical properties (such as structural, functional, and spatial information, amino acid conservation, physicochemical variation, residue mobility, and thermodynamic stability) performed at Invitae indicates that this missense variant is not expected to disrupt SLC9A3 protein function. In summary, the available evidence is currently insufficient to determine the role of this variant in disease. Therefore, it has been classified as a Variant of Uncertain Significance.